The following is an entry in ClinVar:

NM_001122769.3(LCA5):c.650A>C (p.Glu217Ala)

Gene: LCA5 (lebercilin LCA5; minus strand). Cytogenetic location: 6q14.1.
Variant type: single nucleotide variant.
Coding change: c.650A>C on transcript NM_001122769.3 (MANE Select); coding-DNA position 650, A replaced by C.
Protein change: p.Glu217Ala; replaces glutamic acid 217 with alanine.
Molecular consequence: missense variant.
Genome position (GRCh38, 1-based): chr6:79,513,282, T>G on the plus strand (A>C on the coding strand, the complement: LCA5 is on the minus strand). VCF-style: chr6-79513282-T-G. GRCh37 (hg19) VCF-style: chr6-80222999-T-G.
Other names: c.650A>C, p.Glu217Ala (NM_181714.4); short protein forms E217A.
Identifiers: ClinVar variation 911231 (VCV000911231.11), dbSNP rs371429608, ClinGen allele CA3901083.

ClinVar aggregate classification (germline): Uncertain significance. Review status: criteria provided, multiple submitters, no conflicts (2 of 4 stars). 4 submissions from 4 submitters: Uncertain significance (4). Last evaluated 2025-06-07.

Conditions:
Inborn genetic diseases. Identifiers: MedGen C0950123, MeSH D030342.
Leber congenital amaurosis 5 (LCA5). Also called: Amaurosis congenita of Leber, type 5. Identifiers: Orphanet 65, MedGen C1858301, MONDO:0011473, OMIM 604537.

Allele frequency attached by ClinVar (database versions not stated): TOPMed 0.00001; gnomAD 0.00002; gnomAD exomes 0.00002 and 0.00006; ExAC 0.00005; ESP Exome Variant Server 0.00008.
gnomAD v4.1: 33 of 1,613,682 alleles (0.002%); highest among the groups gnomAD compares: Non-Finnish European, 0.00042%; no homozygotes.

Submissions (4):

Ambry Genetics
Classification: Uncertain significance for Inborn genetic diseases. Last evaluated: 2025-06-07. Review status: criteria provided, single submitter. Criteria: Ambry Variant Classification Scheme 2023. Collection method: clinical testing. Allele origin: germline.

Labcorp Genetics (formerly Invitae), Labcorp
Classification: Uncertain significance. Last evaluated: 2024-10-24. Review status: criteria provided, single submitter. Criteria: Invitae Variant Classification Sherloc (09022015). Collection method: clinical testing. Allele origin: germline.
Comment: This sequence change replaces glutamic acid, which is acidic and polar, with alanine, which is neutral and non-polar, at codon 217 of the LCA5 protein (p.Glu217Ala). This variant is present in population databases (rs371429608, gnomAD 0.1%). This variant has not been reported in the literature in individuals affected with LCA5-related conditions. ClinVar contains an entry for this variant (Variation ID: 911231). Invitae Evidence Modeling of protein sequence and biophysical properties (such as structural, functional, and spatial information, amino acid conservation, physicochemical variation, residue mobility, and thermodynamic stability) indicates that this missense variant is expected to disrupt LCA5 protein function with a positive predictive value of 80%. In summary, the available evidence is currently insufficient to determine the role of this variant in disease. Therefore, it has been classified as a Variant of Uncertain Significance.

Blueprint Genetics
Classification: Uncertain significance. Last evaluated: 2020-09-01. Review status: criteria provided, single submitter. Criteria: ACMG Guidelines, 2015. Collection method: clinical testing. Allele origin: germline.

Illumina Laboratory Services, Illumina
Classification: Uncertain significance for Leber congenital amaurosis 5. Last evaluated: 2018-01-12. Review status: criteria provided, single submitter. Criteria: ICSL Variant Classification Criteria 13 December 2019. Collection method: clinical testing. Allele origin: germline.